The following is an entry in ClinVar:

NM_017947.4(MOCOS):c.1010G>A (p.Arg337His)

Gene: MOCOS (molybdenum cofactor sulfurase; plus strand). Cytogenetic location: 18q12.2.
Variant type: single nucleotide variant.
Coding change: c.1010G>A on transcript NM_017947.4 (MANE Select); coding-DNA position 1010, G replaced by A.
Protein change: p.Arg337His; replaces arginine 337 with histidine.
Molecular consequence: missense variant.
Genome position (GRCh38, 1-based): chr18:36,203,181, G>A. VCF-style: chr18-36203181-G-A. GRCh37 (hg19) VCF-style: chr18-33783144-G-A.
Other names: c.1010G>A (NM_017947.2); short protein forms R337H.
Identifiers: ClinVar variation 2140099 (VCV002140099.4), dbSNP rs544770748, ClinGen allele CA8940583.

ClinVar aggregate classification (germline): Uncertain significance. Review status: criteria provided, multiple submitters, no conflicts (2 of 4 stars). 3 submissions from 3 submitters: Uncertain significance (3). Last evaluated 2024-03-06.

Conditions:
Xanthinuria type II. Also called: Xanthine dehydrogenase and aldehyde oxidase combined deficiency of; XDH and AOX dual deficiency. Identifiers: Orphanet 3467, Orphanet 93602, MedGen C1863688, MONDO:0011346, OMIM 603592.

Allele frequency attached by ClinVar (database versions not stated): TOPMed 0.00002; gnomAD 0.00003; gnomAD exomes 0.00004; ExAC 0.00007; 1000 Genomes Project 30x 0.00016; 1000 Genomes Project 0.00020.
gnomAD v4.1: 66 of 1,613,898 alleles (0.0041%); highest among the groups gnomAD compares: Middle Eastern, 0.033%; no homozygotes.

Submissions (3):

Fulgent Genetics
Classification: Uncertain significance for Xanthinuria type II. Last evaluated: 2024-03-06. Review status: criteria provided, single submitter. Criteria: ACMG Guidelines, 2015. Collection method: clinical testing. Allele origin: germline.

Ambry Genetics
Classification: Uncertain significance. Last evaluated: 2023-04-13. Review status: criteria provided, single submitter. Criteria: Ambry Variant Classification Scheme 2023. Collection method: clinical testing. Allele origin: germline.

Labcorp Genetics (formerly Invitae), Labcorp
Classification: Uncertain significance for Xanthinuria type II. Last evaluated: 2022-07-09. Review status: criteria provided, single submitter. Criteria: Invitae Variant Classification Sherloc (09022015). Collection method: clinical testing. Allele origin: germline.
Comment: This sequence change replaces arginine, which is basic and polar, with histidine, which is basic and polar, at codon 337 of the MOCOS protein (p.Arg337His). This variant is present in population databases (rs544770748, gnomAD 0.05%). This variant has not been reported in the literature in individuals affected with MOCOS-related conditions. Algorithms developed to predict the effect of missense changes on protein structure and function output the following: SIFT: "Tolerated"; PolyPhen-2: "Benign"; Align-GVGD: "Class C0". The histidine amino acid residue is found in multiple mammalian species, which suggests that this missense change does not adversely affect protein function. In summary, the available evidence is currently insufficient to determine the role of this variant in disease. Therefore, it has been classified as a Variant of Uncertain Significance.